The following is an entry in ClinVar:

NM_018062.4(FANCL):c.680G>C (p.Arg227Thr)

Gene: FANCL (FA complementation group L; minus strand). Cytogenetic location: 2p16.1.
Variant type: single nucleotide variant.
Coding change: c.680G>C on transcript NM_018062.4 (MANE Select); coding-DNA position 680, G replaced by C.
Protein change: p.Arg227Thr; replaces arginine 227 with threonine.
Molecular consequence: missense variant.
Genome position (GRCh38, 1-based): chr2:58,165,735, C>G on the plus strand (G>C on the coding strand, the complement: FANCL is on the minus strand). VCF-style: chr2-58165735-C-G. GRCh37 (hg19) VCF-style: chr2-58392870-C-G.
Other names: c.695G>C, p.Arg232Thr (NM_001114636.2); c.725G>C, p.Arg242Thr (NM_001374615.1); c.740G>C, p.Arg247Thr (NM_001410792.1); short protein forms R247T, R227T, R232T, R242T.
Identifiers: ClinVar variation 1902235 (VCV001902235.4), dbSNP rs758728377, ClinGen allele CA1670522.

ClinVar aggregate classification (germline): Uncertain significance. Review status: criteria provided, multiple submitters, no conflicts (2 of 4 stars). 3 submissions from 3 submitters: Uncertain significance (3). Last evaluated 2025-01-04.

Conditions:
Inborn genetic diseases. Identifiers: MedGen C0950123, MeSH D030342.
Fanconi anemia complementation group L (FANCL). Also called: FANCL-Related Fanconi Anemia. Identifiers: Orphanet 84, MedGen C3469528, MONDO:0013566, OMIM 614083.
Fanconi anemia (FA). Also called: Fanconi's anemia. Identifiers: Orphanet 84, MedGen C0015625, MeSH D005199, MONDO:0019391.

Allele frequency attached by ClinVar (database versions not stated): gnomAD exomes below 0.00001; ExAC 0.00002; gnomAD 0.00003; TOPMed 0.00006.
gnomAD v4.1: 9 of 1,613,998 alleles (0.00056%); highest among the groups gnomAD compares: African/African-American, 0.008%; no homozygotes.

Submissions (3):

Ambry Genetics
Classification: Uncertain significance for Inborn genetic diseases. Last evaluated: 2025-01-04. Review status: criteria provided, single submitter. Criteria: Ambry Variant Classification Scheme 2023. Collection method: clinical testing. Allele origin: germline.

Fulgent Genetics
Classification: Uncertain significance for Fanconi anemia complementation group L. Last evaluated: 2024-01-21. Review status: criteria provided, single submitter. Criteria: ACMG Guidelines, 2015. Collection method: clinical testing. Allele origin: germline.

Labcorp Genetics (formerly Invitae), Labcorp
Classification: Uncertain significance for Fanconi anemia. Last evaluated: 2022-01-21. Review status: criteria provided, single submitter. Criteria: Invitae Variant Classification Sherloc (09022015). Collection method: clinical testing. Allele origin: germline.
Comment: This sequence change replaces arginine, which is basic and polar, with threonine, which is neutral and polar, at codon 227 of the FANCL protein (p.Arg227Thr). This variant is present in population databases (rs758728377, gnomAD 0.007%). This variant has not been reported in the literature in individuals affected with FANCL-related conditions. Algorithms developed to predict the effect of missense changes on protein structure and function are either unavailable or do not agree on the potential impact of this missense change (SIFT: "Tolerated"; PolyPhen-2: "Probably Damaging"; Align-GVGD: "Class C0"). In summary, the available evidence is currently insufficient to determine the role of this variant in disease. Therefore, it has been classified as a Variant of Uncertain Significance.